The following is an entry in ClinVar:

NM_173546.3(KLHDC8B):c.419C>A (p.Ala140Asp)

Gene: KLHDC8B (kelch domain containing 8B; plus strand). Cytogenetic location: 3p21.31.
Variant type: single nucleotide variant.
Coding change: c.419C>A on transcript NM_173546.3 (MANE Select); coding-DNA position 419, C replaced by A.
Protein change: p.Ala140Asp; replaces alanine 140 with aspartic acid.
Molecular consequence: missense variant.
Genome position (GRCh38, 1-based): chr3:49,174,281, C>A. VCF-style: chr3-49174281-C-A. GRCh37 (hg19) VCF-style: chr3-49211714-C-A.
Other names: short protein forms A140D.
Identifiers: ClinVar variation 3630601 (VCV003630601.2).

ClinVar aggregate classification (germline): Uncertain significance (1 of 4 stars; one submission).

Submission:

Labcorp Genetics (formerly Invitae), Labcorp
Classification: Uncertain significance. Last evaluated: 2024-09-08. Review status: criteria provided, single submitter. Criteria: Invitae Variant Classification Sherloc (09022015). Collection method: clinical testing. Allele origin: germline.
Comment: This sequence change replaces alanine, which is neutral and non-polar, with aspartic acid, which is acidic and polar, at codon 140 of the KLHDC8B protein (p.Ala140Asp). This variant is present in population databases (rs758067429, gnomAD 0.004%). This variant has not been reported in the literature in individuals affected with KLHDC8B-related conditions. An algorithm developed to predict the effect of missense changes on protein structure and function (PolyPhen-2) suggests that this variant is likely to be disruptive. In summary, the available evidence is currently insufficient to determine the role of this variant in disease. Therefore, it has been classified as a Variant of Uncertain Significance.